The following is an entry in ClinVar:

ClinVar aggregate classification (germline): Uncertain significance (1 of 4 stars; one submission).

Conditions:
Dilated cardiomyopathy 1O (CMD1O). Also called: CARDIOMYOPATHY, DILATED, WITH VENTRICULAR TACHYCARDIA. Identifiers: Orphanet 154, MedGen C1837839, MONDO:0012062, OMIM 608569.

Allele frequency attached by ClinVar (database versions not stated): gnomAD exomes below 0.00001.
gnomAD v4.1: 1 of 1,613,726 alleles (0.000062%); highest among the groups gnomAD compares: Admixed American, 0.0017%; no homozygotes.

Submission:

Labcorp Genetics (formerly Invitae), Labcorp
Classification: Uncertain significance for Dilated cardiomyopathy 1O. Last evaluated: 2022-03-05. Review status: criteria provided, single submitter. Criteria: Invitae Variant Classification Sherloc (09022015). Collection method: clinical testing. Allele origin: germline.
Comment: In summary, the available evidence is currently insufficient to determine the role of this variant in disease. Therefore, it has been classified as a Variant of Uncertain Significance. Algorithms developed to predict the effect of missense changes on protein structure and function (SIFT, PolyPhen-2, Align-GVGD) all suggest that this variant is likely to be tolerated. This variant has not been reported in the literature in individuals affected with ABCC9-related conditions. This variant is present in population databases (no rsID available, gnomAD 0.003%). This sequence change replaces phenylalanine, which is neutral and non-polar, with leucine, which is neutral and non-polar, at codon 66 of the ABCC9 protein (p.Phe66Leu).

NM_020297.4(ABCC9):c.198T>G (p.Phe66Leu)

Gene: ABCC9 (ATP binding cassette subfamily C member 9; minus strand). Cytogenetic location: 12p12.1.
Variant type: single nucleotide variant.
Coding change: c.198T>G on transcript NM_020297.4 (MANE Select); coding-DNA position 198, T replaced by G.
Protein change: p.Phe66Leu; replaces phenylalanine 66 with leucine.
Molecular consequence: missense variant. On other transcripts: 5 prime UTR variant (1).
Genome position (GRCh38, 1-based): chr12:21,933,868, A>C on the plus strand (T>G on the coding strand, the complement: ABCC9 is on the minus strand). VCF-style: chr12-21933868-A-C. GRCh37 (hg19) VCF-style: chr12-22086802-A-C.
Other names: c.198T>G, p.Phe66Leu (NM_001377273.1, NM_005691.4); c.-257T>G (NM_001377274.1); short protein forms F66L.
Identifiers: ClinVar variation 2196039 (VCV002196039.4), dbSNP rs1384960260, ClinGen allele CA384131693.